The following is an entry in ClinVar:

NM_002880.4(RAF1):c.1657A>G (p.Asn553Asp)

Gene: RAF1 (Raf-1 proto-oncogene, serine/threonine kinase; minus strand). Cytogenetic location: 3p25.2.
Variant type: single nucleotide variant.
Coding change: c.1657A>G on transcript NM_002880.4 (MANE Select); coding-DNA position 1657, A replaced by G.
Protein change: p.Asn553Asp; replaces asparagine 553 with aspartic acid.
Molecular consequence: missense variant. On other transcripts: non-coding transcript variant (3).
Genome position (GRCh38, 1-based): chr3:12,585,133, T>C on the plus strand (A>G on the coding strand, the complement: RAF1 is on the minus strand). VCF-style: chr3-12585133-T-C. GRCh37 (hg19) VCF-style: chr3-12626632-T-C.
Other names: c.1717A>G, p.Asn573Asp (NM_001354689.3); c.1657A>G, p.Asn553Asp (NM_001354690.3); c.1414A>G, p.Asn472Asp (NM_001354691.3, NM_001354692.3); c.1558A>G, p.Asn520Asp (NM_001354693.3); c.1474A>G, p.Asn492Asp (NM_001354694.3); c.1315A>G, p.Asn439Asp (NM_001354695.3); short protein forms N439D, N472D, N553D, N573D, N492D, N520D.
Identifiers: ClinVar variation 1777374 (VCV001777374.2), dbSNP rs745876012, ClinGen allele CA351497291.

ClinVar aggregate classification (germline): Uncertain significance (1 of 4 stars; one submission).

Conditions:
Cardiovascular phenotype. Identifiers: MedGen CN230736.

Submission:

Ambry Genetics
Classification: Uncertain significance for Cardiovascular phenotype. Last evaluated: 2020-05-12. Review status: criteria provided, single submitter. Criteria: Ambry Variant Classification Scheme 2023. Collection method: clinical testing. Allele origin: germline.
Comment: The p.N553D variant (also known as c.1657A>G), located in coding exon 14 of the RAF1 gene, results from an A to G substitution at nucleotide position 1657. The asparagine at codon 553 is replaced by aspartic acid, an amino acid with highly similar properties. This amino acid position is highly conserved in available vertebrate species. In addition, this alteration is predicted to be tolerated by in silico analysis. Since supporting evidence is limited at this time, the clinical significance of this alteration remains unclear.

Literature cited by the submitters: PubMed 28750076.